The following is an entry in ClinVar:

ClinVar aggregate classification (germline): Uncertain significance. Review status: criteria provided, multiple submitters, no conflicts (2 of 4 stars). 4 submissions from 4 submitters: Uncertain significance (4). Last evaluated 2024-09-12.

Conditions:
Hereditary cancer-predisposing syndrome. Also called: Neoplastic Syndromes, Hereditary; Hereditary Cancer Syndrome; Tumor predisposition; Hereditary neoplastic syndrome. Identifiers: Orphanet 140162, MedGen C0027672, MeSH D009386, MONDO:0015356.
Tuberous sclerosis syndrome (TSC). Also called: Tuberous sclerosis; Tuberous Sclerosis Complex. Identifiers: Orphanet 805, MedGen C0041341, MONDO:0001734.
Tuberous sclerosis 2 (TSC2). Identifiers: Orphanet 805, MedGen C1860707, MONDO:0013199, OMIM 613254.

Submissions (4):

Labcorp Genetics (formerly Invitae), Labcorp
Classification: Uncertain significance for Tuberous sclerosis 2. Last evaluated: 2024-09-12. Review status: criteria provided, single submitter. Criteria: Invitae Variant Classification Sherloc (09022015). Collection method: clinical testing. Allele origin: germline.
Comment: This sequence change replaces aspartic acid, which is acidic and polar, with asparagine, which is neutral and polar, at codon 1331 of the TSC2 protein (p.Asp1331Asn). This variant is not present in population databases (gnomAD no frequency). This variant has not been reported in the literature in individuals affected with TSC2-related conditions. ClinVar contains an entry for this variant (Variation ID: 1692499). Invitae Evidence Modeling of protein sequence and biophysical properties (such as structural, functional, and spatial information, amino acid conservation, physicochemical variation, residue mobility, and thermodynamic stability) indicates that this missense variant is not expected to disrupt TSC2 protein function with a negative predictive value of 95%. In summary, the available evidence is currently insufficient to determine the role of this variant in disease. Therefore, it has been classified as a Variant of Uncertain Significance.

Ambry Genetics
Classification: Uncertain significance for Hereditary cancer-predisposing syndrome. Last evaluated: 2024-03-19. Review status: criteria provided, single submitter. Criteria: Ambry Variant Classification Scheme 2023. Collection method: clinical testing. Allele origin: germline.
Comment: The p.D1331N variant (also known as c.3991G>A), located in coding exon 32 of the TSC2 gene, results from a G to A substitution at nucleotide position 3991. The aspartic acid at codon 1331 is replaced by asparagine, an amino acid with highly similar properties. This amino acid position is conserved. In addition, this alteration is predicted to be tolerated by in silico analysis. Based on the available evidence, the clinical significance of this alteration remains unclear.

All of Us Research Program, National Institutes of Health
Classification: Uncertain significance for Tuberous sclerosis syndrome. Last evaluated: 2023-04-03. Review status: criteria provided, single submitter. Criteria: ACMG Guidelines, 2015. Collection method: clinical testing. Allele origin: germline. Inheritance: Autosomal dominant inheritance. Observed: 1 variant allele, 1 heterozygote.
Comment: This missense variant replaces aspartic acid with asparagine at codon 1331 of the TSC2 protein. Computational prediction suggests that this variant may not impact protein structure and function (internally defined REVEL score threshold <= 0.5, PMID: 27666373). To our knowledge, functional studies have not been reported for this variant. This variant has not been reported in individuals affected with TSC2-related disorders in the literature. This variant has not been identified in the general population by the Genome Aggregation Database (gnomAD). The available evidence is insufficient to determine the role of this variant in disease conclusively. Therefore, this variant is classified as a Variant of Uncertain Significance.

This study involves interpretation of variants in research participants for the purpose of population health screening. Participant phenotype was not available at the time of variant classification. Additional details can be found in publication PMID: 35346344, PMCID: PMC8962531

Sema4
Classification: Uncertain significance for Hereditary cancer-predisposing syndrome. Last evaluated: 2021-12-01. Review status: criteria provided, single submitter. Criteria: Sema4 Curation Guidelines. Collection method: curation. Allele origin: germline.
Comment: The TSC2 c.3991G>A (p.D1331N) variant has not been reported in the literature to our knowledge. It was not observed in the large and broad cohorts of the Genome Aggregation Database. The variant has not been reported in ClinVar. Functional studies have not been performed, and in silico predictions of the variant's effect on protein function are inconclusive. The evidence is insufficient to meet ACMG/AMP criteria for classifying the variant as benign or pathogenic. Thus, the clinical significance of this variant is currently uncertain.

NM_000548.5(TSC2):c.3991G>A (p.Asp1331Asn)

Gene: TSC2 (TSC complex subunit 2; plus strand). Cytogenetic location: 16p13.3.
Variant type: single nucleotide variant.
Coding change: c.3991G>A on transcript NM_000548.5 (MANE Select); coding-DNA position 3991, G replaced by A.
Protein change: p.Asp1331Asn; replaces aspartic acid 1331 with asparagine.
Molecular consequence: missense variant.
Genome position (GRCh38, 1-based): chr16:2,083,802, G>A. VCF-style: chr16-2083802-G-A. GRCh37 (hg19) VCF-style: chr16-2133803-G-A.
Other names: c.3790G>A, p.Asp1264Asn (NM_001077183.3); c.3922G>A, p.Asp1308Asn (NM_001114382.3); c.3682G>A, p.Asp1228Asn (NM_001318827.2); c.3646G>A, p.Asp1216Asn (NM_001318829.2); c.3259G>A, p.Asp1087Asn (NM_001318831.2); c.3823G>A, p.Asp1275Asn (NM_001318832.2); c.3793G>A, p.Asp1265Asn (NM_001363528.2); c.3859G>A, p.Asp1287Asn (NM_001370404.1); and 1 more; short protein forms D1087N, D1216N, D1228N, D1264N, D1265N, D1275N, D1287N, D1288N.
Identifiers: ClinVar variation 1692499 (VCV001692499.6), dbSNP rs770396146, ClinGen allele CA394297721.